The following is an entry in ClinVar:

NM_000059.4(BRCA2):c.9477C>A (p.Phe3159Leu)

Gene: BRCA2 (BRCA2 DNA repair associated; plus strand). Cytogenetic location: 13q13.1.
Variant type: single nucleotide variant.
Coding change: c.9477C>A on transcript NM_000059.4 (MANE Select); coding-DNA position 9477, C replaced by A.
Protein change: p.Phe3159Leu; replaces phenylalanine 3159 with leucine.
Molecular consequence: missense variant.
Genome position (GRCh38, 1-based): chr13:32,394,909, C>A. VCF-style: chr13-32394909-C-A. GRCh37 (hg19) VCF-style: chr13-32969046-C-A.
Other names: short protein forms F3159L.
Identifiers: ClinVar variation 52847 (VCV000052847.25), dbSNP rs80359221, ClinGen allele CA026174.
Genomic context (GRCh38, chr13:32,394,909, plus strand): 5'-TGCTGGAGATTTTTCTGTGTTTTCTGCTAGTCCAAAAGAGGGCCACTTTCAAGAGACATT[C>A]AACAAAATGAAAAATACTGTTGAGGTAAGGTTACTTTTCAGCATCACCACACATTTTGGT-3'
Protein context (NP_000050.3, residues 3149-3169): SPKEGHFQET[Phe3159Leu]NKMKNTVENI

ClinVar aggregate classification (germline): Conflicting classifications of pathogenicity. Review status: criteria provided, conflicting classifications (1 of 4 stars). 8 submissions from 8 submitters: Uncertain significance (4); Likely benign (3). 1 of the submissions does not count toward it. Last evaluated 2025-12-22.

Conditions:
Hereditary breast ovarian cancer syndrome. Also called: Hereditary breast and ovarian cancer syndrome; Hereditary breast and ovarian cancer; Hereditary breast and ovarian cancer syndrome (HBOC); Breast and ovarian cancer; Hereditary breast and/or ovarian cancer syndrome; BRCA1- and BRCA2-Associated Hereditary Breast and Ovarian Cancer. Identifiers: Orphanet 145, MedGen C0677776, MeSH D061325, MONDO:0003582. Disease mechanism: loss of function.
Hereditary cancer-predisposing syndrome. Also called: Neoplastic Syndromes, Hereditary; Tumor predisposition; Hereditary neoplastic syndrome; Hereditary Cancer Syndrome. Identifiers: Orphanet 140162, MedGen C0027672, MeSH D009386, MONDO:0015356.
Breast-ovarian cancer, familial, susceptibility to, 2 (BROVCA2). Also called: BRCA2 Hereditary Breast and Ovarian Cancer. Identifiers: Orphanet 145, MedGen C2675520, MONDO:0012933, OMIM 612555. Disease mechanism: loss of function.

Allele frequency attached by ClinVar (database versions not stated): gnomAD exomes below 0.00001; gnomAD 0.00001; TOPMed 0.00001.
gnomAD v4.1: 4 of 1,613,916 alleles (0.00025%); highest among the groups gnomAD compares: Non-Finnish European, 0.00025%; no homozygotes.

Submissions (8):

Labcorp Genetics (formerly Invitae), Labcorp
Classification: Uncertain significance for Hereditary breast ovarian cancer syndrome. Last evaluated: 2025-12-22. Review status: criteria provided, single submitter. Criteria: Invitae Variant Classification Sherloc (09022015). Collection method: clinical testing. Allele origin: germline.
Comment: This sequence change replaces phenylalanine, which is neutral and non-polar, with leucine, which is neutral and non-polar, at codon 3159 of the BRCA2 protein (p.Phe3159Leu). This variant is present in population databases (rs80359221, gnomAD 0.0009%). This missense change has been observed in individual(s) with breast and/or ovarian cancer (PMID: 27062684, 34178674). ClinVar contains an entry for this variant (Variation ID: 52847). Invitae Evidence Modeling of protein sequence and biophysical properties (such as structural, functional, and spatial information, amino acid conservation, physicochemical variation, residue mobility, and thermodynamic stability) indicates that this missense variant is not expected to disrupt BRCA2 protein function with a negative predictive value of 95%. Experimental studies have shown that this missense change does not substantially affect BRCA2 function (PMID: 37922907). In summary, the available evidence is currently insufficient to determine the role of this variant in disease. Therefore, it has been classified as a Variant of Uncertain Significance.

Ambry Genetics
Classification: Likely benign for Hereditary cancer-predisposing syndrome. Last evaluated: 2025-05-16. Review status: criteria provided, single submitter. Criteria: Ambry Variant Classification Scheme 2023. Collection method: clinical testing. Allele origin: germline.

Women's Health and Genetics/Laboratory Corporation of America, LabCorp
Classification: Uncertain significance. Last evaluated: 2025-05-08. Review status: criteria provided, single submitter. Criteria: LabCorp Variant Classification Summary - May 2015. Collection method: clinical testing. Allele origin: germline.
Comment: Variant summary: BRCA2 c.9477C>A (p.Phe3159Leu) results in a non-conservative amino acid change located in the BRCA2, OB3 domain of the encoded protein sequence. Algorithms developed to predict the effect of missense changes on protein structure and function are either unavailable or do not agree on the potential impact of this missense change. The variant allele was found at a frequency of 4e-06 in 251178 control chromosomes. The available data on variant occurrences in the general population are insufficient to allow any conclusion about variant significance. c.9477C>A has been reported in the literature in the presumed heterozygous state in individuals affected with clinical features of Hereditary Breast And Ovarian Cancer Syndrome, without strong evidence for causality (Azzollini_2016, Fanale_2021). These report(s) do not provide unequivocal conclusions about association of the variant with Hereditary Breast And Ovarian Cancer Syndrome. At least one publication reports experimental evidence evaluating an impact on protein function in vitro. These results showed no damaging effect of this variant (example, Biswas_2023). The following publications have been ascertained in the context of this evaluation (PMID: 27062684, 34178674, 19043619, 37922907). ClinVar contains an entry for this variant (Variation ID: 52847). Based on the evidence outlined above, the variant was classified as uncertain significance.

Molecular Pathology, Peter Maccallum Cancer Centre
Classification: Uncertain significance for Breast-ovarian cancer, familial, susceptibility to, 2. Last evaluated: 2024-05-17. Review status: criteria provided, single submitter. Criteria: ACMG Guidelines, 2015. Collection method: clinical testing. Allele origin: germline. Inheritance: Autosomal dominant inheritance.

All of Us Research Program, National Institutes of Health
Classification: Likely benign for Breast-ovarian cancer, familial, susceptibility to, 2. Last evaluated: 2023-02-15. Review status: criteria provided, single submitter. Criteria: ACMG Guidelines, 2015. Collection method: clinical testing. Allele origin: germline. Inheritance: Autosomal dominant inheritance. Observed: 1 variant allele, 1 heterozygote.
Comment: This study involves interpretation of variants in research participants for the purpose of population health screening. Participant phenotype was not available at the time of variant classification. Additional details can be found in publication PMID: 35346344, PMCID: PMC8962531

Quest Diagnostics Nichols Institute San Juan Capistrano
Classification: Uncertain significance. Last evaluated: 2019-04-19. Review status: criteria provided, single submitter. Criteria: Quest Diagnostics criteria. Collection method: clinical testing. Allele origin: germline.

Color Diagnostics, LLC DBA Color Health
Classification: Likely benign for Hereditary cancer-predisposing syndrome. Last evaluated: 2017-06-08. Review status: criteria provided, single submitter. Criteria: ACMG Guidelines, 2015. Collection method: clinical testing. Allele origin: germline.

Breast Cancer Information Core (BIC) (BRCA2)
Classification: Uncertain significance for Breast-ovarian cancer, familial 2. Last evaluated: 2003-12-23. Review status: no assertion criteria provided. Collection method: clinical testing. Allele origin: germline. Affected: yes. Observed: 2 variant alleles. Not counted in ClinVar's aggregate classification.

Literature cited by the submitters: PubMed 27062684 (cited by 4 submitters); PubMed 34178674 (cited by Labcorp Genetics (formerly Invitae), Labcorp and Women's Health and Genetics/Laboratory Corporation of America, LabCorp); PubMed 37922907 (cited by Labcorp Genetics (formerly Invitae), Labcorp and Women's Health and Genetics/Laboratory Corporation of America, LabCorp); PubMed 19043619 (cited by 3 submitters).